The following is an entry in ClinVar:

ClinVar aggregate classification (germline): Pathogenic/Likely pathogenic. Review status: criteria provided, multiple submitters, no conflicts (2 of 4 stars). 2 submissions from 2 submitters: Pathogenic (1); Likely pathogenic (1). Last evaluated 2025-01-09.

Conditions:
Autosomal dominant deafness - onychodystrophy syndrome. Also called: Deafness, congenital, with onychodystrophy, autosomal dominant; DDOD SYNDROME. Identifiers: Orphanet 3231, Orphanet 79499, MedGen C2675730, MONDO:0007420, OMIM 124480.

Submissions (2):

Institute of Rare Diseases, West China Hospital, Sichuan University
Classification: Likely pathogenic for Autosomal dominant deafness - onychodystrophy syndrome. Last evaluated: 2025-01-09. Review status: criteria provided, single submitter. Criteria: ClinGen HL ACMG Specifications v1. Collection method: research. Allele origin: germline. Affected: yes.
Comment: PS2;PP1;PM2_Supporting;PP3

GeneDx
Classification: Pathogenic. Last evaluated: 2023-11-25. Review status: criteria provided, single submitter. Criteria: GeneDx Variant Classification Process June 2021. Collection method: clinical testing. Allele origin: germline. Affected: yes.
Comment: Not observed at significant frequency in large population cohorts (gnomAD); In silico analysis supports that this missense variant does not alter protein structure/function; Has not been previously published as pathogenic or benign to our knowledge

NM_001693.4(ATP6V1B2):c.1517G>A (p.Arg506Gln)

Gene: ATP6V1B2 (ATPase H+ transporting V1 subunit B2; plus strand). Cytogenetic location: 8p21.3.
Variant type: single nucleotide variant.
Coding change: c.1517G>A on transcript NM_001693.4 (MANE Select); coding-DNA position 1517, G replaced by A.
Protein change: p.Arg506Gln; replaces arginine 506 with glutamine.
Molecular consequence: missense variant.
Genome position (GRCh38, 1-based): chr8:20,220,383, G>A. VCF-style: chr8-20220383-G-A. GRCh37 (hg19) VCF-style: chr8-20077894-G-A.
Other names: short protein forms R506Q.
Identifiers: ClinVar variation 3342486 (VCV003342486.2).